The following is an entry in ClinVar:

ClinVar aggregate classification (germline): Uncertain significance (1 of 4 stars; one submission).

Conditions:
Carnitine palmitoyltransferase II deficiency. Also called: Carnitine Palmitoyltransferase 2 Deficiency. Identifiers: Orphanet 157, MedGen C0342790, MONDO:0015515.

Submission:

Labcorp Genetics (formerly Invitae), Labcorp
Classification: Uncertain significance for Carnitine palmitoyltransferase II deficiency. Last evaluated: 2021-05-04. Review status: criteria provided, single submitter. Criteria: Invitae Variant Classification Sherloc (09022015). Collection method: clinical testing. Allele origin: germline.
Comment: This sequence change replaces threonine with serine at codon 150 of the CPT2 protein (p.Thr150Ser). The threonine residue is moderately conserved and there is a small physicochemical difference between threonine and serine. This variant is not present in population databases (ExAC no frequency). This variant has not been reported in the literature in individuals with CPT2-related conditions. Advanced modeling of protein sequence and biophysical properties (such as structural, functional, and spatial information, amino acid conservation, physicochemical variation, residue mobility, and thermodynamic stability) performed at Invitae indicates that this missense variant is not expected to disrupt CPT2 protein function. In summary, the available evidence is currently insufficient to determine the role of this variant in disease. Therefore, it has been classified as a Variant of Uncertain Significance.

NM_000098.3(CPT2):c.448A>T (p.Thr150Ser)

Gene: CPT2 (carnitine palmitoyltransferase 2; plus strand). Cytogenetic location: 1p32.3.
Variant type: single nucleotide variant.
Coding change: c.448A>T on transcript NM_000098.3 (MANE Select); coding-DNA position 448, A replaced by T.
Protein change: p.Thr150Ser; replaces threonine 150 with serine.
Molecular consequence: missense variant.
Genome position (GRCh38, 1-based): chr1:53,210,122, A>T. VCF-style: chr1-53210122-A-T. GRCh37 (hg19) VCF-style: chr1-53675794-A-T.
Other names: c.448A>T, p.Thr150Ser (NM_001330589.2); short protein forms T150S.
Identifiers: ClinVar variation 1503432 (VCV001503432.8), dbSNP rs141505320, ClinGen allele CA340392189.